The following is an entry in ClinVar:

ClinVar aggregate classification (germline): Uncertain significance. Review status: criteria provided, multiple submitters, no conflicts (2 of 4 stars). 2 submissions from 2 submitters: Uncertain significance (2). Last evaluated 2024-02-03.

Conditions:
Neutral 1 amino acid transport defect (HND). Also called: Hartnup disease; HARTNUP DISORDER. Identifiers: Orphanet 2116, MedGen C0018609, MONDO:0009324, OMIM 234500.

Allele frequency attached by ClinVar (database versions not stated): gnomAD 0.00002; ExAC 0.00004; TOPMed 0.00004.
gnomAD v4.1: 111 of 1,613,696 alleles (0.0069%); highest among the groups gnomAD compares: Middle Eastern, 0.016%; no homozygotes.

Submissions (2):

Fulgent Genetics
Classification: Uncertain significance for Neutral 1 amino acid transport defect. Last evaluated: 2024-02-03. Review status: criteria provided, single submitter. Criteria: ACMG Guidelines, 2015. Collection method: clinical testing. Allele origin: germline.

Labcorp Genetics (formerly Invitae), Labcorp
Classification: Uncertain significance. Last evaluated: 2022-04-09. Review status: criteria provided, single submitter. Criteria: Invitae Variant Classification Sherloc (09022015). Collection method: clinical testing. Allele origin: germline.
Comment: In summary, the available evidence is currently insufficient to determine the role of this variant in disease. Therefore, it has been classified as a Variant of Uncertain Significance. Algorithms developed to predict the effect of sequence changes on RNA splicing suggest that this variant may disrupt the consensus splice site. Advanced modeling of protein sequence and biophysical properties (such as structural, functional, and spatial information, amino acid conservation, physicochemical variation, residue mobility, and thermodynamic stability) performed at Invitae indicates that this missense variant is not expected to disrupt SLC6A19 protein function. This variant has not been reported in the literature in individuals affected with SLC6A19-related conditions. This variant is present in population databases (rs758669599, gnomAD 0.01%). This sequence change replaces glycine, which is neutral and non-polar, with arginine, which is basic and polar, at codon 347 of the SLC6A19 protein (p.Gly347Arg).

NM_001003841.3(SLC6A19):c.1039G>A (p.Gly347Arg)

Gene: SLC6A19 (solute carrier family 6 member 19; plus strand). Cytogenetic location: 5p15.33.
Variant type: single nucleotide variant.
Coding change: c.1039G>A on transcript NM_001003841.3 (MANE Select); coding-DNA position 1039, G replaced by A.
Protein change: p.Gly347Arg; replaces glycine 347 with arginine.
Molecular consequence: missense variant.
Genome position (GRCh38, 1-based): chr5:1,216,811, G>A. VCF-style: chr5-1216811-G-A. GRCh37 (hg19) VCF-style: chr5-1216926-G-A.
Other names: short protein forms G347R.
Identifiers: ClinVar variation 2142903 (VCV002142903.3), dbSNP rs758669599, ClinGen allele CA3183019.